The following is an entry in ClinVar:

NM_001142864.4(PIEZO1):c.2180+3G>A

Genes: HSALR1 (HSP90AB1 associated lncRNA 1; plus strand), PIEZO1 (piezo type mechanosensitive ion channel component 1 (Er blood group); minus strand). Cytogenetic location: 16q24.3.
Variant type: single nucleotide variant.
Coding change: c.2180+3G>A on transcript NM_001142864.4 (MANE Select); 3 bases into the intron after coding-DNA position 2180, G replaced by A.
Molecular consequence: intron variant.
Genome position (GRCh38, 1-based): chr16:88,734,353, C>T on the plus strand (G>A on the coding strand, the complement: PIEZO1 is on the minus strand). VCF-style: chr16-88734353-C-T. GRCh37 (hg19) VCF-style: chr16-88800761-C-T.
Identifiers: ClinVar variation 3054553 (VCV003054553.2), dbSNP rs947713031, ClinGen allele CA286423927.
Genomic context (GRCh38, chr16:88,734,353, plus strand): 5'-GCTCCCTCCCTGGCCCAGGAGGCTACACCTCTCCAGGGCCGGACAGGGAGGGCGGGGCCG[C>T]ACCTGTGAGCCCAGCGCGGGAGGCGCGTGCCAGGCAGGGACACGTGCTCCATGTCGGTGA-3'

ClinVar aggregate classification (germline): Likely benign (0 of 4 stars; one submission).

Conditions:
PIEZO1-related disorder. Also called: PIEZO1-related condition; PIEZO1-Related Disorders.

Allele frequency attached by ClinVar (database versions not stated): TOPMed 0.00001; gnomAD 0.00002.

Submission:

PreventionGenetics, part of Exact Sciences
Classification: Likely benign for PIEZO1-related condition. Last evaluated: 2023-08-18. Review status: no assertion criteria provided. Collection method: clinical testing. Allele origin: germline.
Comment: This variant is classified as likely benign based on ACMG/AMP sequence variant interpretation guidelines (Richards et al. 2015 PMID: 25741868, with internal and published modifications).